The following is an entry in ClinVar:

NM_001130438.3(SPTAN1):c.428T>A (p.Ile143Asn)

Gene: SPTAN1 (spectrin alpha, non-erythrocytic 1; plus strand). Cytogenetic location: 9q34.11.
Variant type: single nucleotide variant.
Coding change: c.428T>A on transcript NM_001130438.3 (MANE Select); coding-DNA position 428, T replaced by A.
Protein change: p.Ile143Asn; replaces isoleucine 143 with asparagine.
Molecular consequence: missense variant.
Genome position (GRCh38, 1-based): chr9:128,574,739, T>A. VCF-style: chr9-128574739-T-A. GRCh37 (hg19) VCF-style: chr9-131337018-T-A.
Other names: c.428T>A, p.Ile143Asn (NM_001195532.2, NM_001363759.2, NM_001363765.2 and 5 more transcripts); c.464T>A, p.Ile155Asn (NM_001375312.2, NM_001375318.1); short protein forms I143N, I155N.
Identifiers: ClinVar variation 2997540 (VCV002997540.3), dbSNP rs1851111223, ClinGen allele CA375052539.

ClinVar aggregate classification (germline): Uncertain significance (1 of 4 stars; one submission).

Conditions:
Early-infantile DEE. Also called: Early infantile epileptic encephalopathy with suppression bursts; Ohtahara syndrome; Early infantile epileptic encephalopathy. Identifiers: Orphanet 1934, MedGen C0393706, MONDO:0800491.

Allele frequency attached by ClinVar (database versions not stated): gnomAD exomes below 0.00001.
gnomAD v4.1: 3 of 1,614,166 alleles (0.00019%); highest among the groups gnomAD compares: African/African-American, 0.0027%; no homozygotes.

Submission:

Labcorp Genetics (formerly Invitae), Labcorp
Classification: Uncertain significance for Early-infantile DEE. Last evaluated: 2023-12-30. Review status: criteria provided, single submitter. Criteria: Invitae Variant Classification Sherloc (09022015). Collection method: clinical testing. Allele origin: germline.
Comment: This sequence change replaces isoleucine, which is neutral and non-polar, with asparagine, which is neutral and polar, at codon 143 of the SPTAN1 protein (p.Ile143Asn). This variant is not present in population databases (gnomAD no frequency). This variant has not been reported in the literature in individuals affected with SPTAN1-related conditions. Advanced modeling of protein sequence and biophysical properties (such as structural, functional, and spatial information, amino acid conservation, physicochemical variation, residue mobility, and thermodynamic stability) has been performed at Invitae for this missense variant, however the output from this modeling did not meet the statistical confidence thresholds required to predict the impact of this variant on SPTAN1 protein function. In summary, the available evidence is currently insufficient to determine the role of this variant in disease. Therefore, it has been classified as a Variant of Uncertain Significance.